The following is an entry in ClinVar:

ClinVar aggregate classification (germline): Pathogenic (1 of 4 stars; one submission).

Conditions:
Mucopolysaccharidosis, MPS-III-D (MPS3D). Also called: Mucopoly-saccharidosis type 3D; N-acetylglucosamine-6-sulfate sulfatase deficiency; MPS 3D; MPS IIID (Sanfilippo Syndrome Type D); MUCOPOLYSACCHARIDOSIS, TYPE IIID; N-ACETYLGLUCOSAMINE-6-SULFATASE DEFICIENCY. Identifiers: Orphanet 581, Orphanet 79272, MedGen C0086650, MONDO:0009658, OMIM 252940.

Allele frequency attached by ClinVar (database versions not stated): gnomAD exomes below 0.00001 and 0.00001; gnomAD 0.00001; TOPMed 0.00001.

Submission:

Labcorp Genetics (formerly Invitae), Labcorp
Classification: Pathogenic for Mucopolysaccharidosis, MPS-III-D. Last evaluated: 2024-10-16. Review status: criteria provided, single submitter. Criteria: Invitae Variant Classification Sherloc (09022015). Collection method: clinical testing. Allele origin: germline.
Comment: This sequence change creates a premature translational stop signal (p.Arg341Ilefs*6) in the GNS gene. It is expected to result in an absent or disrupted protein product. Loss-of-function variants in GNS are known to be pathogenic (PMID: 20232353). This variant is present in population databases (no rsID available, gnomAD 0.0009%). This variant has not been reported in the literature in individuals affected with GNS-related conditions. ClinVar contains an entry for this variant (Variation ID: 1391029). For these reasons, this variant has been classified as Pathogenic.

Literature cited by the submitters: PubMed 20232353.

NM_002076.4(GNS):c.1021_1022insTCTT (p.Arg341fs)

Gene: GNS (glucosamine (N-acetyl)-6-sulfatase; minus strand). Cytogenetic location: 12q14.3.
Variant type: Insertion.
Coding change: c.1021_1022insTCTT on transcript NM_002076.4 (MANE Select); coding-DNA positions 1021 to 1022, TCTT inserted.
Protein change: p.Arg341fs; shifts the reading frame from arginine 341.
Molecular consequence: frameshift variant.
Genome position: GRCh38 VCF-style: chr12-64737080-C-CAAGA. GRCh37 (hg19) VCF-style: chr12-65130860-C-CAAGA.
Other names: short protein forms R341fs.
Identifiers: ClinVar variation 1391029 (VCV001391029.7), dbSNP rs1470760407, ClinGen allele CA605385901.